The following is an entry in ClinVar:

NM_000925.4(PDHB):c.42+1G>A

Genes: PDHB (pyruvate dehydrogenase E1 subunit beta; minus strand), LOC129936949 (ATAC-STARR-seq lymphoblastoid active region 20012; plus strand). Cytogenetic location: 3p14.3.
Variant type: single nucleotide variant.
Coding change: c.42+1G>A on transcript NM_000925.4 (MANE Select); the canonical splice donor site of the intron after coding-DNA position 42, G replaced by A.
Molecular consequence: splice donor variant. On other transcripts: non-coding transcript variant (1).
Genome position (GRCh38, 1-based): chr3:58,433,767, C>T on the plus strand (G>A on the coding strand, the complement: PDHB is on the minus strand). VCF-style: chr3-58433767-C-T. GRCh37 (hg19) VCF-style: chr3-58419494-C-T.
Other names: c.42+1G>A (NM_001315536.2, NM_001173468.2).
Identifiers: ClinVar variation 4747313 (VCV004747313.1).

ClinVar aggregate classification (germline): Pathogenic (1 of 4 stars; one submission).

Conditions:
Pyruvate dehydrogenase E1-beta deficiency (PDHBD). Identifiers: Orphanet 255138, Orphanet 765, MedGen C3279841, MONDO:0013580, OMIM 614111.

Submission:

Labcorp Genetics (formerly Invitae), Labcorp
Classification: Pathogenic for Pyruvate dehydrogenase E1-beta deficiency. Last evaluated: 2025-11-03. Review status: criteria provided, single submitter. Criteria: Invitae Variant Classification Sherloc (09022015). Collection method: clinical testing. Allele origin: germline.
Comment: This sequence change affects a donor splice site in intron 1 of the PDHB gene. It is expected to disrupt RNA splicing. Variants that disrupt the donor or acceptor splice site typically lead to a loss of protein function (PMID: 16199547), and loss-of-function variants in PDHB are known to be pathogenic (PMID: 21914562, 25356417). This variant is not present in population databases (gnomAD no frequency). Disruption of this splice site has been observed in individual(s) with pyruvate dehydrogenase lipoic acid synthetase deficiency (PMID: 26014431). In at least one individual the data is consistent with being in trans (on the opposite chromosome) from a pathogenic variant. Algorithms developed to predict the effect of sequence changes on RNA splicing suggest that this variant may disrupt the consensus splice site. For these reasons, this variant has been classified as Pathogenic.

Literature cited by the submitters: PubMed 16199547; PubMed 21914562; PubMed 25356417; PubMed 26014431.